The following is an entry in ClinVar:

ClinVar aggregate classification (germline): Uncertain significance (1 of 4 stars; one submission).

Conditions:
CEP290-related disorder. Also called: CEP290-related disorders; CEP290-related condition. Identifiers: MedGen CN239314.

Submission:

PreventionGenetics, part of Exact Sciences
Classification: Uncertain significance for CEP290-related condition. Last evaluated: 2025-01-21. Review status: criteria provided, single submitter. Criteria: ACMG Guidelines, 2015. Collection method: clinical testing. Allele origin: germline.
Comment: The CEP290 c.4716A>T variant is predicted to result in the amino acid substitution p.Glu1572Asp. To our knowledge, this variant has not been reported in the literature or in a large population database (gnomAD), indicating this variant is rare. At this time, the clinical significance of this variant is uncertain due to the absence of conclusive functional and genetic evidence.

NM_025114.4(CEP290):c.4716A>T (p.Glu1572Asp)

Gene: CEP290 (centrosomal protein 290; minus strand). Cytogenetic location: 12q21.32.
Variant type: single nucleotide variant.
Coding change: c.4716A>T on transcript NM_025114.4 (MANE Select); coding-DNA position 4716, A replaced by T.
Protein change: p.Glu1572Asp; replaces glutamic acid 1572 with aspartic acid.
Molecular consequence: missense variant.
Genome position (GRCh38, 1-based): chr12:88,083,943, T>A on the plus strand (A>T on the coding strand, the complement: CEP290 is on the minus strand). VCF-style: chr12-88083943-T-A. GRCh37 (hg19) VCF-style: chr12-88477720-T-A.
Other names: short protein forms E1572D.
Identifiers: ClinVar variation 4998224 (VCV004998224.1).
Genomic context (GRCh38, chr12:88,083,943, plus strand): 5'-AGCCTGTAGTTCTAATCTGTGATGAAGAATATGAAGGTCTTCCTCATGTTTCTTCACAAT[T>A]TCTCTTTGCTCCTGTTTTACAGAAAATCGAAACTATATCTTAAATTGTGATTAAAACAAA-3'
Protein context (NP_079390.3, residues 1562-1582): LLEKAREEQR[Glu1572Asp]IVKKHEEDLH